The following is an entry in ClinVar:

ClinVar aggregate classification (germline): Uncertain significance (1 of 4 stars; one submission).

Submission:

Women's Health and Genetics/Laboratory Corporation of America, LabCorp
Classification: Uncertain significance. Last evaluated: 2025-07-03. Review status: criteria provided, single submitter. Criteria: LabCorp Variant Classification Summary - May 2015. Collection method: clinical testing. Allele origin: germline.
Comment: Variant summary: TGM1 c.890T>C (p.Val297Ala) results in a non-conservative amino acid change in the encoded protein sequence. Algorithms developed to predict the effect of missense changes on protein structure and function all suggest that this variant is likely to be disruptive. The variant was absent in 249002 control chromosomes (gnomAD). The available data on variant occurrences in the general population are insufficient to allow any conclusion about variant significance. c.890T>C has been observed in individuals affected with Ichthyosis (Hackett_2010, Sun_2022). These data do not allow any conclusion about variant significance. To our knowledge, no experimental evidence demonstrating an impact on protein function has been reported. The following publications have been ascertained in the context of this evaluation (PMID: 19863506, 34851365). No submitters have cited clinical-significance assessments for this variant to ClinVar. Based on the evidence outlined above, the variant was classified as uncertain significance.

Literature cited by the submitters: PubMed 34851365; PubMed 19863506.

NM_000359.3(TGM1):c.890T>C (p.Val297Ala)

Gene: TGM1 (transglutaminase 1; minus strand). Cytogenetic location: 14q12.
Variant type: single nucleotide variant.
Coding change: c.890T>C on transcript NM_000359.3 (MANE Select); coding-DNA position 890, T replaced by C.
Protein change: p.Val297Ala; replaces valine 297 with alanine.
Molecular consequence: missense variant.
Genome position (GRCh38, 1-based): chr14:24,259,798, A>G on the plus strand (T>C on the coding strand, the complement: TGM1 is on the minus strand). VCF-style: chr14-24259798-A-G. GRCh37 (hg19) VCF-style: chr14-24729004-A-G.
Other names: short protein forms V297A.
Identifiers: ClinVar variation 3911917 (VCV003911917.2).